The following is an entry in ClinVar:

ClinVar aggregate classification (germline): Conflicting classifications of pathogenicity. Review status: criteria provided, conflicting classifications (1 of 4 stars). 5 submissions from 5 submitters: Uncertain significance (2); Likely benign (2). 1 of the submissions does not count toward it. Last evaluated 2026-03-03.

Conditions:
Cardiovascular phenotype. Identifiers: MedGen CN230736.
Cardiomyopathy (CMYO). Also called: Cardiomyopathies. Identifiers: Orphanet 167848, MedGen C0878544, MONDO:0004994, HP:0001638. Inheritance: Various modes of inheritance.
Becker muscular dystrophy (BMD). Also called: MUSCULAR DYSTROPHY, PSEUDOHYPERTROPHIC PROGRESSIVE, BECKER TYPE; Becker Muscular Dystrophy (BMD). Identifiers: Orphanet 98895, MedGen C0917713, MONDO:0010311, OMIM 300376.
Duchenne muscular dystrophy (DMD). Also called: Duchenne Muscular Dystrophy (DMD); MUSCULAR DYSTROPHY, PSEUDOHYPERTROPHIC PROGRESSIVE, DUCHENNE TYPE. Identifiers: Orphanet 98896, MedGen C0013264, MONDO:0010679, OMIM 310200.
Dystrophin deficiency.

Allele frequency attached by ClinVar (database versions not stated): TOPMed 0.00002; ESP Exome Variant Server 0.00009; ExAC 0.00001.
gnomAD v4.1: 4 of 1,208,962 alleles (0.00033%); highest among the groups gnomAD compares: Non-Finnish European, 0.00045%; no homozygotes.

Submissions (5):

Ambry Genetics
Classification: Likely benign for Cardiovascular phenotype. Last evaluated: 2026-03-03. Review status: criteria provided, single submitter. Criteria: Ambry Variant Classification Scheme 2023. Collection method: clinical testing. Allele origin: germline.

Labcorp Genetics (formerly Invitae), Labcorp
Classification: Uncertain significance for Duchenne muscular dystrophy. Last evaluated: 2024-09-17. Review status: criteria provided, single submitter. Criteria: Invitae Variant Classification Sherloc (09022015). Collection method: clinical testing. Allele origin: germline.
Comment: This sequence change replaces glycine, which is neutral and non-polar, with alanine, which is neutral and non-polar, at codon 1027 of the DMD protein (p.Gly1027Ala). This variant is present in population databases (rs370171367, gnomAD 0.001%). This missense change has been observed in individual(s) with clinical features of DMD-related conditions (PMID: 16770791). ClinVar contains an entry for this variant (Variation ID: 286206). Invitae Evidence Modeling of protein sequence and biophysical properties (such as structural, functional, and spatial information, amino acid conservation, physicochemical variation, residue mobility, and thermodynamic stability) indicates that this missense variant is not expected to disrupt DMD protein function with a negative predictive value of 95%. In summary, the available evidence is currently insufficient to determine the role of this variant in disease. Therefore, it has been classified as a Variant of Uncertain Significance.

GeneDx
Classification: Likely benign. Last evaluated: 2018-05-01. Review status: criteria provided, single submitter. Criteria: GeneDx Variant Classification Process June 2021. Collection method: clinical testing. Allele origin: germline. Affected: yes.

Eurofins Ntd Llc (ga)
Classification: Uncertain significance. Last evaluated: 2016-02-09. Review status: criteria provided, single submitter. Criteria: EGL Classification Definitions 2015. Collection method: clinical testing. Allele origin: germline. Observed: 2 variant alleles, 2 heterozygotes.

Natera, Inc.
Classification: Likely benign for Becker muscular dystrophy; Cardiomyopathy; Duchenne muscular dystrophy; Dystrophin deficiency. Last evaluated: 2018-11-16. Review status: no assertion criteria provided. Collection method: clinical testing. Allele origin: germline. Not counted in ClinVar's aggregate classification.

Literature cited by the submitters: PubMed 16770791 (cited by Labcorp Genetics (formerly Invitae), Labcorp).

NM_004006.3(DMD):c.3080G>C (p.Gly1027Ala)

Gene: DMD (dystrophin; minus strand). Cytogenetic location: Xp21.1.
Variant type: single nucleotide variant.
Coding change: c.3080G>C on transcript NM_004006.3 (MANE Select); coding-DNA position 3080, G replaced by C.
Protein change: p.Gly1027Ala; replaces glycine 1027 with alanine.
Molecular consequence: missense variant.
Genome position (GRCh38, 1-based): chrX:32,468,580, C>G on the plus strand (G>C on the coding strand, the complement: DMD is on the minus strand). VCF-style: chrX-32468580-C-G. GRCh37 (hg19) VCF-style: chrX-32486697-C-G.
Other names: c.3056G>C, p.Gly1019Ala (NM_000109.4); c.3068G>C, p.Gly1023Ala (NM_004009.3); c.2711G>C, p.Gly904Ala (NM_004010.3); short protein forms G1027A, G1023A, G1019A, G904A.
Identifiers: ClinVar variation 286206 (VCV000286206.16), dbSNP rs370171367, ClinGen allele CA10379364.